The following is an entry in ClinVar:

ClinVar aggregate classification (germline): Uncertain significance (1 of 4 stars; one submission).

Submission:

GeneDx
Classification: Uncertain significance. Last evaluated: 2019-07-10. Review status: criteria provided, single submitter. Criteria: GeneDx Variant Classification Process June 2021. Collection method: clinical testing. Allele origin: germline. Affected: yes.
Comment: Not observed in large population cohorts (Lek et al., 2016); In silico analysis, which includes protein predictors and evolutionary conservation, supports a deleterious effect; Has not been previously published as pathogenic or benign to our knowledge

NM_001083962.2(TCF4):c.1907G>A (p.Cys636Tyr)

Gene: TCF4 (transcription factor 4; minus strand). Cytogenetic location: 18q21.2.
Variant type: single nucleotide variant.
Coding change: c.1907G>A on transcript NM_001083962.2 (MANE Select); coding-DNA position 1907, G replaced by A.
Protein change: p.Cys636Tyr; replaces cysteine 636 with tyrosine.
Molecular consequence: missense variant.
Genome position (GRCh38, 1-based): chr18:55,228,334, C>T on the plus strand (G>A on the coding strand, the complement: TCF4 is on the minus strand). VCF-style: chr18-55228334-C-T. GRCh37 (hg19) VCF-style: chr18-52895565-C-T.
Other names: c.2213G>A, p.Cys738Tyr (NM_001243226.3); c.1835G>A, p.Cys612Tyr (NM_001243227.2, NM_001348217.1, NM_001348218.2 and 1 more transcripts); c.1925G>A, p.Cys642Tyr (NM_001243228.2); c.1886G>A, p.Cys629Tyr (NM_001243230.2); c.1769G>A, p.Cys590Tyr (NM_001243231.2); c.1694G>A, p.Cys565Tyr (NM_001243232.1); c.1505G>A, p.Cys502Tyr (NM_001243233.2, NM_001348212.2); c.1427G>A, p.Cys476Tyr (NM_001243234.2, NM_001348216.2); and 14 more; short protein forms C636Y, C472Y, C561Y, C738Y, C420Y, C608Y, C629Y, C502Y.
Identifiers: ClinVar variation 392870 (VCV000392870.4), dbSNP rs1057524669, ClinGen allele CA16607954.